The following is an entry in ClinVar:

ClinVar aggregate classification (germline): Uncertain significance. Review status: criteria provided, multiple submitters, no conflicts (2 of 4 stars). 2 submissions from 2 submitters: Uncertain significance (2). Last evaluated 2025-03-09.

Conditions:
GLUT1 deficiency syndrome 1, autosomal recessive. Identifiers: MedGen C3149117.

Submissions (2):

Labcorp Genetics (formerly Invitae), Labcorp
Classification: Uncertain significance for GLUT1 deficiency syndrome 1, autosomal recessive. Last evaluated: 2025-03-09. Review status: criteria provided, single submitter. Criteria: Invitae Variant Classification Sherloc (09022015). Collection method: clinical testing. Allele origin: germline.
Comment: This sequence change falls in intron 4 of the SLC2A1 gene. It does not directly change the encoded amino acid sequence of the SLC2A1 protein. It affects a nucleotide within the consensus splice site. This variant is not present in population databases (gnomAD no frequency). This variant has not been reported in the literature in individuals affected with SLC2A1-related conditions. ClinVar contains an entry for this variant (Variation ID: 1309713). Variants that disrupt the consensus splice site are a relatively common cause of aberrant splicing (PMID: 17576681, 9536098). Algorithms developed to predict the effect of sequence changes on RNA splicing suggest that this variant may disrupt the consensus splice site. In summary, the available evidence is currently insufficient to determine the role of this variant in disease. Therefore, it has been classified as a Variant of Uncertain Significance.

GeneDx
Classification: Uncertain significance. Last evaluated: 2019-11-04. Review status: criteria provided, single submitter. Criteria: GeneDx Variant Classification Process June 2021. Collection method: clinical testing. Allele origin: germline. Affected: yes.
Comment: Not observed in large population cohorts (Lek et al., 2016); In silico analysis, which includes splice predictors and evolutionary conservation, supports a deleterious effect; Has not been previously published as pathogenic or benign to our knowledge

Literature cited by the submitters: PubMed 17576681 (cited by Labcorp Genetics (formerly Invitae), Labcorp); PubMed 9536098 (cited by Labcorp Genetics (formerly Invitae), Labcorp).

NM_006516.4(SLC2A1):c.517-3C>G

Gene: SLC2A1 (solute carrier family 2 member 1; minus strand). Cytogenetic location: 1p34.2.
Variant type: single nucleotide variant.
Coding change: c.517-3C>G on transcript NM_006516.4 (MANE Select); 3 bases into the intron before coding-DNA position 517, C replaced by G.
Molecular consequence: intron variant.
Genome position (GRCh38, 1-based): chr1:42,930,038, G>C on the plus strand (C>G on the coding strand, the complement: SLC2A1 is on the minus strand). VCF-style: chr1-42930038-G-C. GRCh37 (hg19) VCF-style: chr1-43395709-G-C.
Identifiers: ClinVar variation 1309713 (VCV001309713.3), dbSNP rs1182879938, ClinGen allele CA2573051569.